The following is an entry in ClinVar:

ClinVar aggregate classification (germline): Likely benign. Review status: criteria provided, multiple submitters, no conflicts (2 of 4 stars). 2 submissions from 2 submitters: Likely benign (2). Last evaluated 2024-06-22.

Conditions:
Mitochondrial trifunctional protein deficiency. Identifiers: Orphanet 746, MedGen C1969443, MONDO:0012172.
Long chain 3-hydroxyacyl-CoA dehydrogenase deficiency. Also called: Deficiency of long-chain 3-hydroxyacyl-coenzyme A dehydrogenase; LCHAD Deficiency. Identifiers: Orphanet 5, MedGen C3711645, MONDO:0012173, OMIM 609016.

Submissions (2):

Labcorp Genetics (formerly Invitae), Labcorp
Classification: Likely benign for Mitochondrial trifunctional protein deficiency; Long chain 3-hydroxyacyl-CoA dehydrogenase deficiency. Last evaluated: 2024-06-22. Review status: criteria provided, single submitter. Criteria: Invitae Variant Classification Sherloc (09022015). Collection method: clinical testing. Allele origin: germline.

GeneDx
Classification: Likely benign. Last evaluated: 2016-03-25. Review status: criteria provided, single submitter. Criteria: GeneDx Variant Classification (06012015). Collection method: clinical testing. Allele origin: germline. Affected: yes.
Comment: This variant is considered likely benign or benign based on one or more of the following criteria: it is a conservative change, it occurs at a poorly conserved position in the protein, it is predicted to be benign by multiple in silico algorithms, and/or has population frequency not consistent with disease.

NM_000182.5(HADHA):c.1620+20_1620+21del

Genes: GAREM2 (GRB2 associated regulator of MAPK1 subtype 2; plus strand), HADHA (hydroxyacyl-CoA dehydrogenase trifunctional multienzyme complex subunit alpha; minus strand). Cytogenetic location: 2p23.3.
Variant type: Microsatellite.
Coding change: c.1620+20_1620+21del on transcript NM_000182.5 (MANE Select); bases 20 to 21 of the intron after coding-DNA position 1620, 2 bases deleted (AG; older notation c.1620+20_1620+21delAG).
Molecular consequence: intron variant.
Genome position (GRCh38, 1-based): chr2:26,195,071-26,195,072, CT deleted on the plus strand (AG on the coding strand, the reverse complement: HADHA is on the minus strand); deleting any 2 consecutive bases within chr2:26,195,071-26,195,074 gives the same sequence; the c. name uses the placement nearest the transcript's 3' end. VCF-style (leftmost placement, unchanged base first): chr2-26195070-GCT-G. GRCh37 (hg19) VCF-style: chr2-26417939-GCT-G.
Other names: c.1620+20_1620+21delAG (NM_000182.4).
Identifiers: ClinVar variation 420631 (VCV000420631.6), dbSNP rs1064794598, ClinGen allele CA16617520.